The following is an entry in ClinVar:

NM_022765.4(MICAL1):c.2674-1G>A

Gene: MICAL1 (microtubule associated monooxygenase, calponin and LIM domain containing 1; minus strand). Cytogenetic location: 6q21.
Variant type: single nucleotide variant.
Coding change: c.2674-1G>A on transcript NM_022765.4 (MANE Select); the canonical splice acceptor site of the intron before coding-DNA position 2674, G replaced by A.
Molecular consequence: splice acceptor variant.
Genome position (GRCh38, 1-based): chr6:109,445,530, C>T on the plus strand (G>A on the coding strand, the complement: MICAL1 is on the minus strand). VCF-style: chr6-109445530-C-T. GRCh37 (hg19) VCF-style: chr6-109766733-C-T.
Other names: c.2731-1G>A (NM_001286613.2); c.2416-1G>A (NM_001159291.2).
Identifiers: ClinVar variation 2954897 (VCV002954897.3), dbSNP rs368435988, ClinGen allele CA145116902.
Genomic context (GRCh38, chr6:109,445,530, plus strand): 5'-CCGACGCCATGTTGGGTAGTTATTCATGGTGCCTGAGGTCTTGGCAAAGGTCTGCAGGGC[C>T]TATAGGAGGGTCAGGCCAGTCAGGGATAGGGCCTGGGCCCCCTGGTGGATAGGAGTGTTG-3'

ClinVar aggregate classification (germline): Uncertain significance (1 of 4 stars; one submission).

Allele frequency attached by ClinVar (database versions not stated): gnomAD exomes below 0.00001; gnomAD 0.00001; TOPMed 0.00003; ESP Exome Variant Server 0.00008.
gnomAD v4.1: 3 of 1,613,880 alleles (0.00019%); highest among the groups gnomAD compares: African/African-American, 0.004%; no homozygotes.

Submission:

Labcorp Genetics (formerly Invitae), Labcorp
Classification: Uncertain significance. Last evaluated: 2023-02-15. Review status: criteria provided, single submitter. Criteria: Invitae Variant Classification Sherloc (09022015). Collection method: clinical testing. Allele origin: germline.
Comment: In summary, the available evidence is currently insufficient to determine the role of this variant in disease. Therefore, it has been classified as a Variant of Uncertain Significance. Algorithms developed to predict the effect of sequence changes on RNA splicing suggest that this variant may disrupt the consensus splice site. This variant has not been reported in the literature in individuals affected with MICAL1-related conditions. This variant is not present in population databases (gnomAD no frequency). This sequence change affects an acceptor splice site in intron 20 of the MICAL1 gene. It is expected to disrupt RNA splicing. Variants that disrupt the donor or acceptor splice site typically lead to a loss of protein function (PMID: 16199547), however the current clinical and genetic evidence is not sufficient to establish whether loss-of-function variants in MICAL1 cause disease.

Literature cited by the submitters: PubMed 16199547.